The following is an entry in ClinVar:

NM_005857.5(ZMPSTE24):c.134A>G (p.Tyr45Cys)

Gene: ZMPSTE24 (zinc metallopeptidase STE24; plus strand). Cytogenetic location: 1p34.2.
Variant type: single nucleotide variant.
Coding change: c.134A>G on transcript NM_005857.5 (MANE Select); coding-DNA position 134, A replaced by G.
Protein change: p.Tyr45Cys; replaces tyrosine 45 with cysteine.
Molecular consequence: missense variant.
Genome position (GRCh38, 1-based): chr1:40,260,849, A>G. VCF-style: chr1-40260849-A-G. GRCh37 (hg19) VCF-style: chr1-40726521-A-G.
Other names: c.134A>G (NM_005857.3); short protein forms Y45C.
Identifiers: ClinVar variation 1424815 (VCV001424815.5), dbSNP rs1015854218, ClinGen allele CA21030143.

ClinVar aggregate classification (germline): Uncertain significance. Review status: criteria provided, multiple submitters, no conflicts (2 of 4 stars). 2 submissions from 2 submitters: Uncertain significance (2). Last evaluated 2025-10-22.

Conditions:
Inborn genetic diseases. Identifiers: MedGen C0950123, MeSH D030342.

Allele frequency attached by ClinVar (database versions not stated): gnomAD exomes 0.00001 and below 0.00001.
gnomAD v4.1: 10 of 1,613,850 alleles (0.00062%); highest among the groups gnomAD compares: Admixed American, 0.0067%; no homozygotes.

Submissions (2):

Ambry Genetics
Classification: Uncertain significance for Inborn genetic diseases. Last evaluated: 2025-10-22. Review status: criteria provided, single submitter. Criteria: Ambry Variant Classification Scheme 2023. Collection method: clinical testing. Allele origin: germline.

Labcorp Genetics (formerly Invitae), Labcorp
Classification: Uncertain significance. Last evaluated: 2021-11-18. Review status: criteria provided, single submitter. Criteria: Invitae Variant Classification Sherloc (09022015). Collection method: clinical testing. Allele origin: germline.
Comment: This sequence change replaces tyrosine, which is neutral and polar, with cysteine, which is neutral and slightly polar, at codon 45 of the ZMPSTE24 protein (p.Tyr45Cys). This variant is present in population databases (no rsID available, gnomAD 0.003%). This variant has not been reported in the literature in individuals affected with ZMPSTE24-related conditions. Algorithms developed to predict the effect of missense changes on protein structure and function are either unavailable or do not agree on the potential impact of this missense change (SIFT: "Not Available"; PolyPhen-2: "Benign"; Align-GVGD: "Not Available"). In summary, the available evidence is currently insufficient to determine the role of this variant in disease. Therefore, it has been classified as a Variant of Uncertain Significance.